The following is an entry in ClinVar:

NM_003119.4(SPG7):c.1601G>A (p.Arg534Gln)

Gene: SPG7 (SPG7 matrix AAA peptidase subunit, paraplegin; plus strand). Cytogenetic location: 16q24.3.
Variant type: single nucleotide variant.
Coding change: c.1601G>A on transcript NM_003119.4 (MANE Select); coding-DNA position 1601, G replaced by A.
Protein change: p.Arg534Gln; replaces arginine 534 with glutamine.
Molecular consequence: missense variant.
Genome position (GRCh38, 1-based): chr16:89,548,051, G>A. VCF-style: chr16-89548051-G-A. GRCh37 (hg19) VCF-style: chr16-89614459-G-A.
Other names: c.1601G>A, p.Arg534Gln (NM_001363850.1); c.1601G>A (NM_003119.2); short protein forms R534Q.
Identifiers: ClinVar variation 834557 (VCV000834557.11), dbSNP rs757160836, ClinGen allele CA8244278.

ClinVar aggregate classification (germline): Uncertain significance. Review status: criteria provided, multiple submitters, no conflicts (2 of 4 stars). 4 submissions from 4 submitters: Uncertain significance (4). Last evaluated 2024-10-20.

Conditions:
Inborn genetic diseases. Identifiers: MedGen C0950123, MeSH D030342.
Hereditary spastic paraplegia 7 (SPG7). Also called: Spastic paraplegia 7; Hereditary spastic paraplegia Paraplegin type; Autosomal recessive spastic paraplegia type 7; SPASTIC PARAPLEGIA 7, AUTOSOMAL RECESSIVE, WITH OR WITHOUT CEREBELLAR ATAXIA; SPG7-related neurologic disorder. Identifiers: Orphanet 99013, MedGen C1846564, MONDO:0011803, OMIM 607259.

Allele frequency attached by ClinVar (database versions not stated): gnomAD 0.00004 and 0.00009; gnomAD exomes 0.00005 and 0.00008; TOPMed 0.00008; ExAC 0.00010.
gnomAD v4.1: 90 of 1,611,510 alleles (0.0056%); highest among the groups gnomAD compares: South Asian, 0.064%; 1 homozygote.

Submissions (4):

Ambry Genetics
Classification: Uncertain significance for Inborn genetic diseases. Last evaluated: 2024-10-20. Review status: criteria provided, single submitter. Criteria: Ambry Variant Classification Scheme 2023. Collection method: clinical testing. Allele origin: germline.

Blueprint Genetics
Classification: Uncertain significance. Last evaluated: 2024-03-07. Review status: criteria provided, single submitter. Criteria: ACMG Guidelines, 2015. Collection method: clinical testing. Allele origin: germline.

GeneDx
Classification: Uncertain significance. Last evaluated: 2023-11-15. Review status: criteria provided, single submitter. Criteria: GeneDx Variant Classification Process June 2021. Collection method: clinical testing. Allele origin: germline. Affected: yes.
Comment: Has not been previously published as pathogenic or benign to our knowledge; In silico analysis supports that this missense variant has a deleterious effect on protein structure/function

Labcorp Genetics (formerly Invitae), Labcorp
Classification: Uncertain significance for Hereditary spastic paraplegia 7. Last evaluated: 2022-06-04. Review status: criteria provided, single submitter. Criteria: Invitae Variant Classification Sherloc (09022015). Collection method: clinical testing. Allele origin: germline.
Comment: In summary, the available evidence is currently insufficient to determine the role of this variant in disease. Therefore, it has been classified as a Variant of Uncertain Significance. Algorithms developed to predict the effect of sequence changes on RNA splicing suggest that this variant may create or strengthen a splice site. Advanced modeling of protein sequence and biophysical properties (such as structural, functional, and spatial information, amino acid conservation, physicochemical variation, residue mobility, and thermodynamic stability) performed at Invitae indicates that this missense variant is expected to disrupt SPG7 protein function. ClinVar contains an entry for this variant (Variation ID: 834557). This variant has not been reported in the literature in individuals affected with SPG7-related conditions. This variant is present in population databases (rs757160836, gnomAD 0.06%). This sequence change replaces arginine, which is basic and polar, with glutamine, which is neutral and polar, at codon 534 of the SPG7 protein (p.Arg534Gln).